The following is an entry in ClinVar:

NM_001367561.1(DOCK7):c.5024+2T>A

Gene: DOCK7 (dedicator of cytokinesis 7; minus strand). Cytogenetic location: 1p31.3.
Variant type: single nucleotide variant.
Coding change: c.5024+2T>A on transcript NM_001367561.1 (MANE Select); the canonical splice donor site of the intron after coding-DNA position 5024, T replaced by A.
Molecular consequence: splice donor variant.
Genome position (GRCh38, 1-based): chr1:62,495,579, A>T on the plus strand (T>A on the coding strand, the complement: DOCK7 is on the minus strand). VCF-style: chr1-62495579-A-T. GRCh37 (hg19) VCF-style: chr1-62961250-A-T.
Other names: c.4904+2T>A (NM_001272001.2, NM_001272000.2); c.4931+2T>A (NM_033407.4); c.4997+2T>A (NM_001271999.2, NM_001330614.2).
Identifiers: ClinVar variation 4712059 (VCV004712059.1).
Genomic context (GRCh38, chr1:62,495,579, plus strand): 5'-TGCTTACTGTATGTCTTACTAAGTCCCTTATACAAAGCATAAATGAATCAAATAAATGCT[A>T]CCTGTACATTAGATCAATCAACATTTCAGGATCCTCCTGGTGTTCCTTCATTTTCACAGT-3'

ClinVar aggregate classification (germline): Likely pathogenic (1 of 4 stars; one submission).

Conditions:
Developmental and epileptic encephalopathy, 23 (DEE23). Also called: Epileptic encephalopathy, early infantile, 23. Identifiers: Orphanet 411986, MedGen C4014492, MONDO:0014371, OMIM 615859.

Submission:

Labcorp Genetics (formerly Invitae), Labcorp
Classification: Likely pathogenic for Developmental and epileptic encephalopathy, 23. Last evaluated: 2025-01-30. Review status: criteria provided, single submitter. Criteria: Invitae Variant Classification Sherloc (09022015). Collection method: clinical testing. Allele origin: germline.
Comment: This sequence change affects a donor splice site in intron 39 of the DOCK7 gene. It is expected to disrupt RNA splicing. Variants that disrupt the donor or acceptor splice site typically lead to a loss of protein function (PMID: 16199547), and loss-of-function variants in DOCK7 are known to be pathogenic (PMID: 24814191). This variant is not present in population databases (gnomAD no frequency). This variant has not been reported in the literature in individuals affected with DOCK7-related conditions. Algorithms developed to predict the effect of sequence changes on RNA splicing suggest that this variant may disrupt the consensus splice site. In summary, the currently available evidence indicates that the variant is pathogenic, but additional data are needed to prove that conclusively. Therefore, this variant has been classified as Likely Pathogenic.

Literature cited by the submitters: PubMed 16199547; PubMed 24814191.